The following is an entry in ClinVar:

NM_002427.4(MMP13):c.1250C>T (p.Pro417Leu)

Gene: MMP13 (matrix metallopeptidase 13; minus strand). Cytogenetic location: 11q22.2.
Variant type: single nucleotide variant.
Coding change: c.1250C>T on transcript NM_002427.4 (MANE Select); coding-DNA position 1250, C replaced by T.
Protein change: p.Pro417Leu; replaces proline 417 with leucine.
Molecular consequence: missense variant.
Genome position (GRCh38, 1-based): chr11:102,945,711, G>A on the plus strand (C>T on the coding strand, the complement: MMP13 is on the minus strand). VCF-style: chr11-102945711-G-A. GRCh37 (hg19) VCF-style: chr11-102816440-G-A.
Other names: short protein forms P417L.
Identifiers: ClinVar variation 2957107 (VCV002957107.3), dbSNP rs782188703, ClinGen allele CA6251728.

ClinVar aggregate classification (germline): Uncertain significance (1 of 4 stars; one submission).

Allele frequency attached by ClinVar (database versions not stated): TOPMed 0.00003; gnomAD 0.00004.
gnomAD v4.1: 16 of 1,601,972 alleles (0.001%); highest among the groups gnomAD compares: African/African-American, 0.0067%; no homozygotes.

Submission:

Labcorp Genetics (formerly Invitae), Labcorp
Classification: Uncertain significance. Last evaluated: 2023-11-21. Review status: criteria provided, single submitter. Criteria: Invitae Variant Classification Sherloc (09022015). Collection method: clinical testing. Allele origin: germline.
Comment: This sequence change replaces proline, which is neutral and non-polar, with leucine, which is neutral and non-polar, at codon 417 of the MMP13 protein (p.Pro417Leu). This variant is present in population databases (rs782188703, gnomAD 0.008%). This variant has not been reported in the literature in individuals affected with MMP13-related conditions. Advanced modeling of protein sequence and biophysical properties (such as structural, functional, and spatial information, amino acid conservation, physicochemical variation, residue mobility, and thermodynamic stability) performed at Invitae indicates that this missense variant is expected to disrupt MMP13 protein function with a positive predictive value of 80%. In summary, the available evidence is currently insufficient to determine the role of this variant in disease. Therefore, it has been classified as a Variant of Uncertain Significance.